The following is an entry in ClinVar:

ClinVar aggregate classification (germline): Pathogenic (1 of 4 stars; one submission).

Submission:

Labcorp Genetics (formerly Invitae), Labcorp
Classification: Pathogenic. Last evaluated: 2018-06-20. Review status: criteria provided, single submitter. Criteria: Invitae Variant Classification Sherloc (09022015). Collection method: clinical testing. Allele origin: germline.
Comment: This variant has not been reported in the literature in individuals with NSD1-related disease. For these reasons, this variant has been classified as Pathogenic. Loss-of-function variants in NSD1 are known to be pathogenic (PMID: 12464997, 14571271, 15942875, 16247291). This variant is not present in population databases (ExAC no frequency). This sequence change creates a premature translational stop signal (p.Ala1645Cysfs*3) in the NSD1 gene. It is expected to result in an absent or disrupted protein product.

Literature cited by the submitters: PubMed 12464997; PubMed 14571271; PubMed 15942875; PubMed 16247291.

NM_022455.5(NSD1):c.4932dup (p.Ala1645fs)

Gene: NSD1 (nuclear receptor binding SET domain protein 1; plus strand). Cytogenetic location: 5q35.3.
Variant type: Duplication.
Coding change: c.4932dup on transcript NM_022455.5 (MANE Select); coding-DNA position 4932, one base duplicated (T; older notation c.4932dupT).
Protein change: p.Ala1645fs; shifts the reading frame from alanine 1645.
Molecular consequence: frameshift variant.
Genome position (GRCh38, 1-based): chr5:177,257,117, T duplicated. VCF-style (leftmost placement, unchanged base first): chr5-177257116-A-AT. GRCh37 (hg19) VCF-style: chr5-176684117-A-AT.
Other names: c.4932dupT (NM_022455.4); c.4059dup, p.Ala1354Cysfs (NM_001365684.2, NM_001409308.1, NM_001409309.1 and 1 more transcripts); c.4932dup, p.Ala1645Cysfs (NM_001409301.1, NM_001409302.1, NM_001409303.1); c.4512dup, p.Ala1505Cysfs (NM_001409304.1); c.4179dup, p.Ala1394Cysfs (NM_001409305.1); c.4170dup, p.Ala1391Cysfs (NM_001409306.1, NM_001409307.1); short protein forms A1645fs, A1376fs.
Identifiers: ClinVar variation 567446 (VCV000567446.7), dbSNP rs1562265336, ClinGen allele CA891843014.